The following is an entry in ClinVar:

ClinVar aggregate classification (germline): Uncertain significance (1 of 4 stars; one submission).

Conditions:
Dystonia 12 (DYT12). Also called: DYT-ATP1A3; Rapid-Onset Dystonia-Parkinsonism (RDP). Identifiers: Orphanet 71517, MedGen C1868681, MONDO:0007496, OMIM 128235.

Submission:

Labcorp Genetics (formerly Invitae), Labcorp
Classification: Uncertain significance for Dystonia 12. Last evaluated: 2023-10-03. Review status: criteria provided, single submitter. Criteria: Invitae Variant Classification Sherloc (09022015). Collection method: clinical testing. Allele origin: germline.
Comment: This sequence change replaces valine, which is neutral and non-polar, with leucine, which is neutral and non-polar, at codon 966 of the ATP1A3 protein (p.Val966Leu). This variant is not present in population databases (gnomAD no frequency). This variant has not been reported in the literature in individuals affected with ATP1A3-related conditions. Advanced modeling of protein sequence and biophysical properties (such as structural, functional, and spatial information, amino acid conservation, physicochemical variation, residue mobility, and thermodynamic stability) has been performed at Invitae for this missense variant, however the output from this modeling did not meet the statistical confidence thresholds required to predict the impact of this variant on ATP1A3 protein function. In summary, the available evidence is currently insufficient to determine the role of this variant in disease. Therefore, it has been classified as a Variant of Uncertain Significance.

NM_152296.5(ATP1A3):c.2896G>T (p.Val966Leu)

Gene: ATP1A3 (ATPase Na+/K+ transporting subunit alpha 3; minus strand). Cytogenetic location: 19q13.2.
Variant type: single nucleotide variant.
Coding change: c.2896G>T on transcript NM_152296.5 (MANE Select); coding-DNA position 2896, G replaced by T.
Protein change: p.Val966Leu; replaces valine 966 with leucine.
Molecular consequence: missense variant.
Genome position (GRCh38, 1-based): chr19:41,967,687, C>A on the plus strand (G>T on the coding strand, the complement: ATP1A3 is on the minus strand). VCF-style: chr19-41967687-C-A. GRCh37 (hg19) VCF-style: chr19-42471839-C-A.
Other names: c.2929G>T, p.Val977Leu (NM_001256213.2); c.2935G>T, p.Val979Leu (NM_001256214.2); short protein forms V977L, V979L, V966L.
Identifiers: ClinVar variation 2764900 (VCV002764900.3), dbSNP rs782665893, ClinGen allele CA406035417.